The following is an entry in ClinVar:

ClinVar aggregate classification (germline): Likely benign. Review status: criteria provided, multiple submitters, no conflicts (2 of 4 stars). 2 submissions from 2 submitters: Likely benign (2). Last evaluated 2026-02-01.

Conditions:
Emery-Dreifuss muscular dystrophy 5, autosomal dominant (EDMD5). Also called: EMERY-DREIFUSS MUSCULAR DYSTROPHY 5. Identifiers: Orphanet 261, MedGen C2751805, MONDO:0013072, OMIM 612999.

Allele frequency attached by ClinVar (database versions not stated): ExAC 0.00002; 1000 Genomes Project 30x 0.00016; 1000 Genomes Project 0.00020.
gnomAD v4.1: 13 of 1,614,186 alleles (0.00081%); highest among the groups gnomAD compares: Admixed American, 0.022%; no homozygotes.

Submissions (2):

CeGaT Center for Human Genetics Tuebingen
Classification: Likely benign. Last evaluated: 2026-02-01. Review status: criteria provided, single submitter. Criteria: CeGaT Center For Human Genetics Tuebingen Variant Classification Criteria Version 2. Collection method: clinical testing. Allele origin: germline. Affected: yes. Observed: 1 variant allele.
Comment: SYNE2: BP4, BP7

Labcorp Genetics (formerly Invitae), Labcorp
Classification: Likely benign for Emery-Dreifuss muscular dystrophy 5, autosomal dominant. Last evaluated: 2022-10-13. Review status: criteria provided, single submitter. Criteria: Invitae Variant Classification Sherloc (09022015). Collection method: clinical testing. Allele origin: germline.

NM_182914.3(SYNE2):c.10638G>T (p.Gly3546=)

Gene: SYNE2 (spectrin repeat containing nuclear envelope protein 2; plus strand). Cytogenetic location: 14q23.2.
Variant type: single nucleotide variant.
Coding change: c.10638G>T on transcript NM_182914.3 (MANE Select); coding-DNA position 10638, G replaced by T.
Protein change: p.Gly3546=; no amino-acid change (glycine 3546 retained).
Molecular consequence: synonymous variant.
Genome position (GRCh38, 1-based): chr14:64,070,851, G>T. VCF-style: chr14-64070851-G-T. GRCh37 (hg19) VCF-style: chr14-64537569-G-T.
Other names: c.10638G>T, p.Gly3546= (NM_015180.6).
Identifiers: ClinVar variation 1551760 (VCV001551760.12), dbSNP rs201834981, ClinGen allele CA7221568.